The following is an entry in ClinVar:

ClinVar aggregate classification (germline): Pathogenic/Likely pathogenic. Review status: criteria provided, multiple submitters, no conflicts (2 of 4 stars). 2 submissions from 2 submitters: Pathogenic (1); Likely pathogenic (1). Last evaluated 2024-05-13.

Conditions:
HNRNPU-related disorders.
Developmental and epileptic encephalopathy, 54. Also called: Epileptic encephalopathy, early infantile, 54; HNRNPU-Related Neurodevelopmental Disorder. Identifiers: MedGen C4479319, MONDO:0033363, OMIM 617391.

Submissions (2):

Labcorp Genetics (formerly Invitae), Labcorp
Classification: Pathogenic for Developmental and epileptic encephalopathy, 54. Last evaluated: 2024-05-13. Review status: criteria provided, single submitter. Criteria: Invitae Variant Classification Sherloc (09022015). Collection method: clinical testing. Allele origin: germline.
Comment: This sequence change creates a premature translational stop signal (p.Glu217Alafs*120) in the HNRNPU gene. It is expected to result in an absent or disrupted protein product. Loss-of-function variants in HNRNPU are known to be pathogenic (PMID: 22678713, 28283832). This variant is not present in population databases (gnomAD no frequency). This variant has not been reported in the literature in individuals affected with HNRNPU-related conditions. For these reasons, this variant has been classified as Pathogenic.

Blueprint Genetics
Classification: Likely pathogenic for HNRNPU-related disorders. Last evaluated: 2021-11-24. Review status: criteria provided, single submitter. Criteria: ACMG Guidelines, 2015. Collection method: clinical testing. Allele origin: germline. Affected: yes. Observed: 2 variant alleles.

Literature cited by the submitters: PubMed 22678713 (cited by Labcorp Genetics (formerly Invitae), Labcorp); PubMed 28283832 (cited by Labcorp Genetics (formerly Invitae), Labcorp).

NM_031844.3(HNRNPU):c.650_656del (p.Glu217fs)

Gene: HNRNPU (heterogeneous nuclear ribonucleoprotein U; minus strand). Cytogenetic location: 1q44.
Variant type: Microsatellite.
Coding change: c.650_656del on transcript NM_031844.3 (MANE Select); coding-DNA positions 650 to 656, 7 bases deleted (AAGGCGG; older notation c.650_656delAAGGCGG).
Protein change: p.Glu217fs; shifts the reading frame from glutamic acid 217.
Molecular consequence: frameshift variant. On other transcripts: intron variant (1).
Genome position (GRCh38, 1-based): chr1:244,863,652-244,863,658, CCGCCTT deleted on the plus strand (AAGGCGG on the coding strand, the reverse complement: HNRNPU is on the minus strand); deleting any 7 consecutive bases within chr1:244,863,652-244,863,666 gives the same sequence; the c. name uses the placement nearest the transcript's 3' end. VCF-style (leftmost placement, unchanged base first): chr1-244863651-GCCGCCTT-G. GRCh37 (hg19) VCF-style: chr1-245026953-GCCGCCTT-G.
Other names: c.634+16_634+22del (NM_004501.3); short protein forms E217fs.
Identifiers: ClinVar variation 2712310 (VCV002712310.4), dbSNP rs981309385, ClinGen allele CA40504972.